The following is an entry in ClinVar:

ClinVar aggregate classification (germline): Uncertain significance. Review status: criteria provided, multiple submitters, no conflicts (2 of 4 stars). 2 submissions from 2 submitters: Uncertain significance (2). Last evaluated 2026-06-27.

Conditions:
Cardiovascular phenotype. Identifiers: MedGen CN230736.

gnomAD v4.1: 5 of 1,613,962 alleles (0.00031%); highest among the groups gnomAD compares: South Asian, 0.0022%; no homozygotes.

Submissions (2):

Ambry Genetics
Classification: Uncertain significance for Cardiovascular phenotype. Last evaluated: 2026-06-27. Review status: criteria provided, single submitter. Criteria: Ambry Variant Classification Scheme 2023. Collection method: clinical testing. Allele origin: germline.
Comment: The p.T205S variant (also known as c.614C>G), located in coding exon 1 of the LOX gene, results from a C to G substitution at nucleotide position 614. The threonine at codon 205 is replaced by serine, an amino acid with similar properties. This amino acid position is conserved. In addition, this alteration is predicted to be tolerated by in silico analysis. Based on the available evidence, the clinical significance of this variant remains unclear.

Labcorp Genetics (formerly Invitae), Labcorp
Classification: Uncertain significance. Last evaluated: 2025-02-13. Review status: criteria provided, single submitter. Criteria: Invitae Variant Classification Sherloc (09022015). Collection method: clinical testing. Allele origin: germline.
Comment: This sequence change replaces threonine, which is neutral and polar, with serine, which is neutral and polar, at codon 205 of the LOX protein (p.Thr205Ser). This variant is present in population databases (rs780295299, gnomAD 0.006%). This variant has not been reported in the literature in individuals affected with LOX-related conditions. Invitae Evidence Modeling of protein sequence and biophysical properties (such as structural, functional, and spatial information, amino acid conservation, physicochemical variation, residue mobility, and thermodynamic stability) has been performed for this missense variant. However, the output from this modeling did not meet the statistical confidence thresholds required to predict the impact of this variant on LOX protein function. In summary, the available evidence is currently insufficient to determine the role of this variant in disease. Therefore, it has been classified as a Variant of Uncertain Significance.

NM_002317.7(LOX):c.614C>G (p.Thr205Ser)

Genes: LOX (lysyl oxidase; minus strand), SRFBP1 (serum response factor binding protein 1; plus strand). Cytogenetic location: 5q23.1.
Variant type: single nucleotide variant.
Coding change: c.614C>G on transcript NM_002317.7 (MANE Select); coding-DNA position 614, C replaced by G.
Protein change: p.Thr205Ser; replaces threonine 205 with serine.
Molecular consequence: missense variant.
Genome position (GRCh38, 1-based): chr5:122,077,372, G>C on the plus strand (C>G on the coding strand, the complement: LOX is on the minus strand). VCF-style: chr5-122077372-G-C. GRCh37 (hg19) VCF-style: chr5-121413067-G-C.
Other names: c.614C>G (NM_002317.5); short protein forms T205S.
Identifiers: ClinVar variation 3712068 (VCV003712068.4).
Genomic context (GRCh38, chr5:122,077,372, plus strand): 5'-GACCAGGTGCACGGGTGCTTCCAGCGGACTTGGGGGTACTTACCGTACTGGAAGTAGCCA[G>C]TGCCGTATCCGGGCCGGTACCTGCCCCCAGGTCTGGGCCTTTCATAAGTATCGTAGTAGT-3'
Protein context (NP_002308.2, residues 195-215): PGGRYRPGYG[Thr205Ser]GYFQYGLPDL